The following is an entry in ClinVar:

ClinVar aggregate classification (germline): Uncertain significance. Review status: criteria provided, multiple submitters, no conflicts (2 of 4 stars). 2 submissions from 2 submitters: Uncertain significance (2). Last evaluated 2026-01-26.

Conditions:
Ehlers-Danlos syndrome, dermatosparaxis type. Also called: Dermatosparaxis; Ehlers-Danlos syndrome, type VII, autosomal recessive; EDS VIIC. Identifiers: Orphanet 1901, MedGen C2700425, MONDO:0009161, OMIM 225410.

Allele frequency attached by ClinVar (database versions not stated): TOPMed below 0.00001; ExAC 0.00001; gnomAD exomes 0.00001; ESP Exome Variant Server 0.00008.
gnomAD v4.1: 10 of 1,613,914 alleles (0.00062%); highest among the groups gnomAD compares: Admixed American, 0.0033%; no homozygotes.

Submissions (2):

Women's Health and Genetics/Laboratory Corporation of America, LabCorp
Classification: Uncertain significance. Last evaluated: 2026-01-26. Review status: criteria provided, single submitter. Criteria: LabCorp Variant Classification Summary - May 2015. Collection method: clinical testing. Allele origin: germline.
Comment: Variant summary: ADAMTS2 c.950G>A (p.Arg317Gln) results in a conservative amino acid change in the encoded protein sequence. Algorithms developed to predict the effect of missense changes on protein structure and function are either unavailable or do not agree on the potential impact of this missense change. The variant allele was found at a frequency of 1.2e-05 in 251300 control chromosomes. The available data on variant occurrences in the general population are insufficient to allow any conclusion about variant significance. To our knowledge, no occurrence of c.950G>A in individuals affected with ADAMTS2-related conditions and no experimental evidence demonstrating its impact on protein function have been reported. ClinVar contains an entry for this variant (Variation ID: 1921821). Based on the evidence outlined above, the variant was classified as uncertain significance.

Labcorp Genetics (formerly Invitae), Labcorp
Classification: Uncertain significance for Ehlers-Danlos syndrome, dermatosparaxis type. Last evaluated: 2022-01-26. Review status: criteria provided, single submitter. Criteria: Invitae Variant Classification Sherloc (09022015). Collection method: clinical testing. Allele origin: germline.
Comment: This sequence change replaces arginine, which is basic and polar, with glutamine, which is neutral and polar, at codon 317 of the ADAMTS2 protein (p.Arg317Gln). This variant is present in population databases (rs369808860, gnomAD 0.006%). This variant has not been reported in the literature in individuals affected with ADAMTS2-related conditions. Algorithms developed to predict the effect of missense changes on protein structure and function (SIFT, PolyPhen-2, Align-GVGD) all suggest that this variant is likely to be disruptive. Algorithms developed to predict the effect of sequence changes on RNA splicing suggest that this variant may create or strengthen a splice site. In summary, the available evidence is currently insufficient to determine the role of this variant in disease. Therefore, it has been classified as a Variant of Uncertain Significance.

NM_014244.5(ADAMTS2):c.950G>A (p.Arg317Gln)

Gene: ADAMTS2 (ADAM metallopeptidase with thrombospondin type 1 motif 2; minus strand). Cytogenetic location: 5q35.3.
Variant type: single nucleotide variant.
Coding change: c.950G>A on transcript NM_014244.5 (MANE Select); coding-DNA position 950, G replaced by A.
Protein change: p.Arg317Gln; replaces arginine 317 with glutamine.
Molecular consequence: missense variant.
Genome position (GRCh38, 1-based): chr5:179,181,097, C>T on the plus strand (G>A on the coding strand, the complement: ADAMTS2 is on the minus strand). VCF-style: chr5-179181097-C-T. GRCh37 (hg19) VCF-style: chr5-178608098-C-T.
Other names: c.950G>A, p.Arg317Gln (NM_021599.4); short protein forms R317Q.
Identifiers: ClinVar variation 1921821 (VCV001921821.3), dbSNP rs369808860, ClinGen allele CA3596092.
Genomic context (GRCh38, chr5:179,181,097, plus strand): 5'-GTGGAGGCAGGCCCGGCTGGCCACAGTGCACTCACCTTTCCATAGCTCAGGAGGATGATC[C>T]GCACCAGGACCACGTTGATGTGGGCACCCAAGGACTCGTCATGGTAGATTTCATTGACCT-3'
Protein context (NP_055059.2, residues 307-327): LGAHINVVLV[Arg317Gln]IILLSYGKSM